The following is an entry in ClinVar:

ClinVar aggregate classification (germline): Uncertain significance (1 of 4 stars; one submission).

Conditions:
Benign neonatal seizures. Also called: Convulsions benign familial neonatal dominant form; Autosomal dominant form of benign neonatal seizures; Benign familial neonatal epilepsy; Benign familial neonatal seizures; Benign neonatal familial convulsions. Identifiers: Orphanet 1949, MedGen C0220669, MONDO:0016027.

Allele frequency attached by ClinVar (database versions not stated): gnomAD exomes 0.00003; ExAC 0.00004; TOPMed 0.00004.
gnomAD v4.1: 13 of 1,614,074 alleles (0.00081%); highest among the groups gnomAD compares: Non-Finnish European, 0.001%; no homozygotes.

Submission:

Labcorp Genetics (formerly Invitae), Labcorp
Classification: Uncertain significance for Benign neonatal seizures. Last evaluated: 2025-12-30. Review status: criteria provided, single submitter. Criteria: Invitae Variant Classification Sherloc (09022015). Collection method: clinical testing. Allele origin: germline.
Comment: This sequence change replaces proline, which is neutral and non-polar, with leucine, which is neutral and non-polar, at codon 695 of the KCNQ3 protein (p.Pro695Leu). This variant is present in population databases (rs760983146, gnomAD 0.005%). This missense change has been observed in individual(s) with familial centrotemporal spikes (PMID: 18625963). ClinVar contains an entry for this variant (Variation ID: 572531). Invitae Evidence Modeling of protein sequence and biophysical properties (such as structural, functional, and spatial information, amino acid conservation, physicochemical variation, residue mobility, and thermodynamic stability) indicates that this missense variant is not expected to disrupt KCNQ3 protein function with a negative predictive value of 95%. Experimental studies have shown that this missense change affects KCNQ3 function (PMID: 18625963). In summary, the available evidence is currently insufficient to determine the role of this variant in disease. Therefore, it has been classified as a Variant of Uncertain Significance.

Literature cited by the submitters: PubMed 18625963.

NM_004519.4(KCNQ3):c.2084C>T (p.Pro695Leu)

Gene: KCNQ3 (potassium voltage-gated channel subfamily Q member 3; minus strand). Cytogenetic location: 8q24.22.
Variant type: single nucleotide variant.
Coding change: c.2084C>T on transcript NM_004519.4 (MANE Select); coding-DNA position 2084, C replaced by T.
Protein change: p.Pro695Leu; replaces proline 695 with leucine.
Molecular consequence: missense variant.
Genome position (GRCh38, 1-based): chr8:132,129,797, G>A on the plus strand (C>T on the coding strand, the complement: KCNQ3 is on the minus strand). VCF-style: chr8-132129797-G-A. GRCh37 (hg19) VCF-style: chr8-133142044-G-A.
Other names: c.1724C>T, p.Pro575Leu (NM_001204824.2); short protein forms P695L, P575L.
Identifiers: ClinVar variation 572531 (VCV000572531.11), dbSNP rs760983146, ClinGen allele CA4880505.